The following is an entry in ClinVar:

ClinVar aggregate classification (germline): Benign. Review status: criteria provided, multiple submitters, no conflicts (2 of 4 stars). 3 submissions from 3 submitters: Benign (2). 1 of the submissions does not count toward it. Last evaluated 2019-12-31.

Conditions:
APBA2-related disorder. Also called: APBA2-related condition.

Allele frequency attached by ClinVar (database versions not stated): 1000 Genomes Project 0.00499; 1000 Genomes Project 30x 0.00578; ESP Exome Variant Server 0.00654; gnomAD 0.00677 and 0.00742; ExAC 0.00680; gnomAD exomes 0.00705 and 0.00741; TOPMed 0.00851.
gnomAD v4.1: 12,003 of 1,614,142 alleles (0.74%); highest among the groups gnomAD compares: Admixed American, 1.3%; 65 homozygotes.

Submissions (3):

Labcorp Genetics (formerly Invitae), Labcorp
Classification: Benign. Last evaluated: 2019-12-31. Review status: criteria provided, single submitter. Criteria: Invitae Variant Classification Sherloc (09022015). Collection method: clinical testing. Allele origin: germline.

Breakthrough Genomics
Classification: Benign. Review status: criteria provided, single submitter. Criteria: ACMG Guidelines, 2015. Collection method: not provided. Allele origin: germline. Inheritance: Unknown mechanism. Affected: yes.

PreventionGenetics, part of Exact Sciences
Classification: Benign for APBA2-related condition. Last evaluated: 2019-02-21. Review status: no assertion criteria provided. Collection method: clinical testing. Allele origin: germline. Not counted in ClinVar's aggregate classification.
Comment: This variant is classified as benign based on ACMG/AMP sequence variant interpretation guidelines (Richards et al. 2015 PMID: 25741868, with internal and published modifications).

NM_001353788.2(APBA2):c.381C>T (p.His127=)

Gene: APBA2 (amyloid beta precursor protein binding family A member 2; plus strand). Cytogenetic location: 15q13.1.
Variant type: single nucleotide variant.
Coding change: c.381C>T on transcript NM_001353788.2 (MANE Select); coding-DNA position 381, C replaced by T.
Protein change: p.His127=; no amino-acid change (histidine 127 retained).
Molecular consequence: synonymous variant.
Genome position (GRCh38, 1-based): chr15:29,054,265, C>T. VCF-style: chr15-29054265-C-T. GRCh37 (hg19) VCF-style: chr15-29346468-C-T.
Other names: c.381C>T, p.His127= (NM_001130414.1, NM_001353789.2, NM_001353790.2 and 6 more transcripts).
Identifiers: ClinVar variation 770621 (VCV000770621.7), dbSNP rs137995892, ClinGen allele CA7445085.